The following is an entry in ClinVar:

ClinVar aggregate classification (germline): Uncertain significance. Review status: criteria provided, multiple submitters, no conflicts (2 of 4 stars). 4 submissions from 4 submitters: Uncertain significance (4). Last evaluated 2025-06-30.

Conditions:
Hereditary cancer-predisposing syndrome. Also called: Hereditary Cancer Syndrome; Neoplastic Syndromes, Hereditary; Tumor predisposition; Hereditary neoplastic syndrome. Identifiers: Orphanet 140162, MedGen C0027672, MeSH D009386, MONDO:0015356.
Juvenile polyposis syndrome (JPS). Identifiers: Orphanet 2929, MedGen C0345893, MONDO:0017380, OMIM 174900.

Submissions (4):

Ambry Genetics
Classification: Uncertain significance for Hereditary cancer-predisposing syndrome. Last evaluated: 2025-06-30. Review status: criteria provided, single submitter. Criteria: Ambry Variant Classification Scheme 2023. Collection method: clinical testing. Allele origin: germline.
Comment: The p.V226I variant (also known as c.676G>A) is located in coding exon 7 of the BMPR1A gene. The valine at codon 226 is replaced by isoleucine, an amino acid with highly similar properties. This change occurs in the first base pair of coding exon 7. This amino acid position is conserved. In addition, this alteration is predicted to be deleterious by in silico analysis. Based on the available evidence, the clinical significance of this variant remains unclear.

Labcorp Genetics (formerly Invitae), Labcorp
Classification: Uncertain significance for Juvenile polyposis syndrome. Last evaluated: 2025-05-05. Review status: criteria provided, single submitter. Criteria: Invitae Variant Classification Sherloc (09022015). Collection method: clinical testing. Allele origin: germline.
Comment: This sequence change replaces valine, which is neutral and non-polar, with isoleucine, which is neutral and non-polar, at codon 226 of the BMPR1A protein (p.Val226Ile). This variant is not present in population databases (gnomAD no frequency). This variant has not been reported in the literature in individuals affected with BMPR1A-related conditions. ClinVar contains an entry for this variant (Variation ID: 630983). An algorithm developed to predict the effect of missense changes on protein structure and function (PolyPhen-2) suggests that this variant is likely to be tolerated. In summary, the available evidence is currently insufficient to determine the role of this variant in disease. Therefore, it has been classified as a Variant of Uncertain Significance.

GeneDx
Classification: Uncertain significance. Last evaluated: 2023-03-28. Review status: criteria provided, single submitter. Criteria: GeneDx Variant Classification Process June 2021. Collection method: clinical testing. Allele origin: germline. Affected: yes.
Comment: In silico analysis supports that this missense variant does not alter protein function; In silico analysis suggests this variant may impact gene splicing. In the absence of RNA/functional studies, the actual effect of this sequence change is unknown.; Has not been previously published as pathogenic or benign to our knowledge; Not observed at significant frequency in large population cohorts (gnomAD); This variant is associated with the following publications: (PMID: 9759503, 23433720, 30787465, 28569743)

Color Diagnostics, LLC DBA Color Health
Classification: Uncertain significance for Hereditary cancer-predisposing syndrome. Last evaluated: 2018-12-09. Review status: criteria provided, single submitter. Criteria: ACMG Guidelines, 2015. Collection method: clinical testing. Allele origin: germline.

NM_004329.3(BMPR1A):c.676G>A (p.Val226Ile)

Gene: BMPR1A (bone morphogenetic protein receptor type 1A; plus strand). Cytogenetic location: 10q23.2.
Variant type: single nucleotide variant.
Coding change: c.676G>A on transcript NM_004329.3 (MANE Select); coding-DNA position 676, G replaced by A.
Protein change: p.Val226Ile; replaces valine 226 with isoleucine.
Molecular consequence: missense variant.
Genome position (GRCh38, 1-based): chr10:86,917,134, G>A. VCF-style: chr10-86917134-G-A. GRCh37 (hg19) VCF-style: chr10-88676891-G-A.
Other names: short protein forms V226I.
Identifiers: ClinVar variation 630983 (VCV000630983.13), dbSNP rs587780110, ClinGen allele CA377456811.
Genomic context (GRCh38, chr10:86,917,134, plus strand): 5'-TGCCAGTCTTAATGGGTTTCTTTCATCAAGAGCTCAAACCTTTTACTTTTTTCTATAAAG[G>A]TTCAGCGAACTATTGCCAAACAGATTCAGATGGTCCGGCAAGTTGGTAAAGGCCGATATG-3'
Protein context (NP_004320.2, residues 216-236): SGSGSGLPLL[Val226Ile]QRTIAKQIQM